The following is an entry in ClinVar:

ClinVar aggregate classification (germline): Benign/Likely benign. Review status: criteria provided, multiple submitters, no conflicts (2 of 4 stars). 2 submissions from 2 submitters: Benign (1); Likely benign (1). Last evaluated 2025-10-03.

Allele frequency attached by ClinVar (database versions not stated): gnomAD exomes 0.00009 and 0.00020; ExAC 0.00022; ESP Exome Variant Server 0.00069; gnomAD 0.00113 and 0.00122; TOPMed 0.00114; 1000 Genomes Project 30x 0.00156; 1000 Genomes Project 0.00160.
gnomAD v4.1: 310 of 1,559,478 alleles (0.02%); highest among the groups gnomAD compares: African/African-American, 0.37%; no homozygotes.

Submissions (2):

Labcorp Genetics (formerly Invitae), Labcorp
Classification: Benign. Last evaluated: 2025-10-03. Review status: criteria provided, single submitter. Criteria: Invitae Variant Classification Sherloc (09022015). Collection method: clinical testing. Allele origin: germline.

GeneDx
Classification: Likely benign. Last evaluated: 2017-06-12. Review status: criteria provided, single submitter. Criteria: GeneDx Variant Classification (06012015). Collection method: clinical testing. Allele origin: germline. Affected: yes.
Comment: This variant is considered likely benign or benign based on one or more of the following criteria: it is a conservative change, it occurs at a poorly conserved position in the protein, it is predicted to be benign by multiple in silico algorithms, and/or has population frequency not consistent with disease.

NM_025150.5(TARS2):c.1239-14C>T

Gene: TARS2 (threonyl-tRNA synthetase 2, mitochondrial; plus strand). Cytogenetic location: 1q21.2.
Variant type: single nucleotide variant.
Coding change: c.1239-14C>T on transcript NM_025150.5 (MANE Select); 14 bases into the intron before coding-DNA position 1239, C replaced by T.
Molecular consequence: intron variant.
Genome position (GRCh38, 1-based): chr1:150,498,488, C>T. VCF-style: chr1-150498488-C-T. GRCh37 (hg19) VCF-style: chr1-150470964-C-T.
Other names: c.993-14C>T (NM_001271895.2); c.849-14C>T (NM_001271896.2).
Identifiers: ClinVar variation 517892 (VCV000517892.9), dbSNP rs188574280, ClinGen allele CA1076960.